The following is an entry in ClinVar:

NM_022455.5(NSD1):c.34T>C (p.Cys12Arg)

Gene: NSD1 (nuclear receptor binding SET domain protein 1; plus strand). Cytogenetic location: 5q35.3.
Variant type: single nucleotide variant.
Coding change: c.34T>C on transcript NM_022455.5 (MANE Select); coding-DNA position 34, T replaced by C.
Protein change: p.Cys12Arg; replaces cysteine 12 with arginine.
Molecular consequence: missense variant.
Genome position (GRCh38, 1-based): chr5:177,135,137, T>C. VCF-style: chr5-177135137-T-C. GRCh37 (hg19) VCF-style: chr5-176562138-T-C.
Other names: c.-100T>C (NM_001365684.2, NM_001409305.1, NM_001409306.1 and 4 more transcripts); c.34T>C, p.Cys12Arg (NM_001409301.1, NM_001409302.1, NM_001409303.1 and 1 more transcripts); short protein forms C12R.
Identifiers: ClinVar variation 379167 (VCV000379167.14), dbSNP rs143406017, ClinGen allele CA3576834.

ClinVar aggregate classification (germline): Conflicting classifications of pathogenicity. Review status: criteria provided, conflicting classifications (1 of 4 stars). 5 submissions from 5 submitters: Uncertain significance (1); Likely benign (4). Last evaluated 2025-10-14.

Conditions:
Sotos syndrome (SOTOS). Also called: CEREBRAL GIGANTISM; Distinctive facial appearance, overgrowth in childhood, and learning disabilities or delayed development; Sotos' syndrome; CHROMOSOME 5q35 DELETION SYNDROME; SOTOS SYNDROME 1. Identifiers: Orphanet 821, MedGen C0175695, MONDO:0019349, OMIM 117550.

Allele frequency attached by ClinVar (database versions not stated): ExAC 0.00001; gnomAD 0.00001; gnomAD exomes 0.00001 and 0.00002; TOPMed 0.00002; ESP Exome Variant Server 0.00008.
gnomAD v4.1: 15 of 1,614,042 alleles (0.00093%); highest among the groups gnomAD compares: South Asian, 0.0055%; no homozygotes.

Submissions (5):

Labcorp Genetics (formerly Invitae), Labcorp
Classification: Likely benign. Last evaluated: 2025-10-14. Review status: criteria provided, single submitter. Criteria: Invitae Variant Classification Sherloc (09022015). Collection method: clinical testing. Allele origin: germline.

Institute for Clinical Genetics, University Hospital TU Dresden, University Hospital TU Dresden
Classification: Uncertain significance. Last evaluated: 2021-11-03. Review status: criteria provided, single submitter. Criteria: ACMG Guidelines, 2015. Collection method: clinical testing. Allele origin: germline.

Genome-Nilou Lab
Classification: Likely benign for Sotos syndrome. Last evaluated: 2021-07-15. Review status: criteria provided, single submitter. Criteria: ACMG Guidelines, 2015. Collection method: clinical testing. Allele origin: germline. Affected: no.

Genomic Research Center, Shahid Beheshti University of Medical Sciences
Classification: Likely benign. Last evaluated: 2017-12-18. Review status: criteria provided, single submitter. Criteria: ACMG Guidelines, 2015. Collection method: clinical testing. Allele origin: inherited. Affected: yes.

GeneDx
Classification: Likely benign. Last evaluated: 2015-05-07. Review status: criteria provided, single submitter. Criteria: GeneDx Variant Classification (06012015). Collection method: clinical testing. Allele origin: germline. Affected: yes.
Comment: This variant is considered likely benign or benign based on one or more of the following criteria: it is a conservative change, it occurs at a poorly conserved position in the protein, it is predicted to be benign by multiple in silico algorithms, and/or has population frequency not consistent with disease.